The following is an entry in ClinVar:

ClinVar aggregate classification (germline): Conflicting classifications of pathogenicity. Review status: criteria provided, conflicting classifications (1 of 4 stars). 3 submissions from 3 submitters: Uncertain significance (1); Benign (1); Likely benign (1). Last evaluated 2026-03-24.

Conditions:
Leukodystrophy, hypomyelinating, 2. Also called: PELIZAEUS-MERZBACHER-LIKE DISEASE, 1. Identifiers: Orphanet 280270, Orphanet 280282, MedGen C1837355, MONDO:0012125, OMIM 608804.
Spastic paraplegia. Identifiers: MedGen C0037772, HP:0001258.

Allele frequency attached by ClinVar (database versions not stated): gnomAD exomes 0.00046; ExAC 0.00152; gnomAD 0.00246 and 0.00260; TOPMed 0.00257; 1000 Genomes Project 30x 0.00375; 1000 Genomes Project 0.00459.
gnomAD v4.1: 717 of 1,480,936 alleles (0.048%); highest among the groups gnomAD compares: African/African-American, 0.92%; 3 homozygotes.

Submissions (3):

Women's Health and Genetics/Laboratory Corporation of America, LabCorp
Classification: Likely benign. Last evaluated: 2026-03-24. Review status: criteria provided, single submitter. Criteria: LabCorp Variant Classification Summary - May 2015. Collection method: clinical testing. Allele origin: germline.
Comment: Variant summary: GJC2 c.445G>A (p.Gly149Ser) results in a non-conservative amino acid change in the encoded protein sequence. Algorithms developed to predict the effect of missense changes on protein structure and function are either unavailable or do not agree on the potential impact of this missense change. The variant allele was found at a frequency of 0.00046 in 90816 control chromosomes, predominantly at a frequency of 0.0072 within the African or African-American subpopulation in the gnomAD database. The observed variant frequency within African or African-American control individuals in the gnomAD database exceeds the estimated maximal expected allele frequency for disease-causing variants in GJC2. c.445G>A has been observed in the heterozygous state with no second variant found in an individual affected with Hypomyelinating Leukodystrophy (Henneke_2008). It has also been reported in a parent and child affected with lymphadema (Ferrell_2010). These reports do not provide unequivocal conclusions about association of the variant with Hypomyelinating Leukodystrophy or other GJC2-related conditions. Two publications report experimental evidence evaluating an impact on protein function, with somewhat conflicting results. Both found that the cellular localizations of the variant were comparible to the wild type, however one study found the variant resulted in significantly reduced transmembrane currents (Diekmann_2010), while the other showed no significant impact on channel function versus wild type (Kim_2013). The following publications have been ascertained in the context of this evaluation (PMID: 20442743, 20537300, 18094336, 23544880). ClinVar contains an entry for this variant (Variation ID: 695528). Based on the evidence outlined above, the variant was classified as likely benign.

Labcorp Genetics (formerly Invitae), Labcorp
Classification: Benign for Spastic paraplegia. Last evaluated: 2025-11-23. Review status: criteria provided, single submitter. Criteria: Invitae Variant Classification Sherloc (09022015). Collection method: clinical testing. Allele origin: germline.

Mendelics
Classification: Uncertain significance for Leukodystrophy, hypomyelinating, 2. Last evaluated: 2019-05-28. Review status: criteria provided, single submitter. Criteria: Mendelics Assertion Criteria 2017. Collection method: clinical testing. Allele origin: unknown.

Literature cited by the submitters: PubMed 20442743 (cited by Women's Health and Genetics/Laboratory Corporation of America, LabCorp); PubMed 18094336 (cited by Women's Health and Genetics/Laboratory Corporation of America, LabCorp); PubMed 23544880 (cited by Women's Health and Genetics/Laboratory Corporation of America, LabCorp); PubMed 20537300 (cited by Women's Health and Genetics/Laboratory Corporation of America, LabCorp).

NM_020435.4(GJC2):c.445G>A (p.Gly149Ser)

Gene: GJC2 (gap junction protein gamma 2; plus strand). Cytogenetic location: 1q42.13.
Variant type: single nucleotide variant.
Coding change: c.445G>A on transcript NM_020435.4 (MANE Select); coding-DNA position 445, G replaced by A.
Protein change: p.Gly149Ser; replaces glycine 149 with serine.
Molecular consequence: missense variant.
Genome position (GRCh38, 1-based): chr1:228,158,203, G>A. VCF-style: chr1-228158203-G-A. GRCh37 (hg19) VCF-style: chr1-228345904-G-A.
Other names: short protein forms G149S.
Identifiers: ClinVar variation 695528 (VCV000695528.13), dbSNP rs577325764, ClinGen allele CA1430854.